The following is an entry in ClinVar:

NM_201525.4(ADGRG1):c.768+4del

Gene: ADGRG1 (adhesion G protein-coupled receptor G1; plus strand). Cytogenetic location: 16q21.
Variant type: Deletion.
Coding change: c.768+4del on transcript NM_201525.4 (MANE Select); 4 bases into the intron after coding-DNA position 768, one base deleted (A; older notation c.768+4delA).
Molecular consequence: intron variant.
Genome position (GRCh38, 1-based): chr16:57,654,137, A deleted. VCF-style (leftmost placement, unchanged base first): chr16-57654136-CA-C. GRCh37 (hg19) VCF-style: chr16-57688048-CA-C.
Other names: c.768+4del (NM_001370440.1, NM_001370428.1, NM_001370436.1 and 16 more transcripts); c.258+4del (NM_001290142.2); c.243+4del (NM_001370451.1, NM_001290143.2, NM_001370453.1 and 2 more transcripts); c.612+4del (NM_001370442.1); c.783+4del (NM_001370433.1, NM_001145773.3); c.768+4delA (NM_005682.7).
Identifiers: ClinVar variation 4847519 (VCV004847519.1).

ClinVar aggregate classification (germline): Uncertain significance (1 of 4 stars; one submission).

Submission:

Women's Health and Genetics/Laboratory Corporation of America, LabCorp
Classification: Uncertain significance. Last evaluated: 2026-03-03. Review status: criteria provided, single submitter. Criteria: LabCorp Variant Classification Summary - May 2015. Collection method: clinical testing. Allele origin: germline.
Comment: Variant summary: ADGRG1 c.768+4delA alters a conserved nucleotide located close to a canonical splice site and therefore could affect mRNA splicing, leading to a significantly altered protein sequence. Several computational tools predict a significant impact on normal splicing: Three predict the variant weakens a 5' donor site. However, these predictions have yet to be confirmed by functional studies. The variant was absent in 247114 control chromosomes. The available data on variant occurrences in the general population are insufficient to allow any conclusion about variant significance. To our knowledge, no occurrence of c.768+4delA in individuals affected with ADGRG1-related conditions and no experimental evidence demonstrating its impact on protein function have been reported. No submitters have cited clinical-significance assessments for this variant to ClinVar. Based on the evidence outlined above, the variant was classified as uncertain significance.